The following is an entry in ClinVar:

ClinVar aggregate classification (germline): Uncertain significance (1 of 4 stars; one submission).

Submission:

GeneDx
Classification: Uncertain significance. Last evaluated: 2022-07-28. Review status: criteria provided, single submitter. Criteria: GeneDx Variant Classification Process June 2021. Collection method: clinical testing. Allele origin: germline. Affected: yes.
Comment: Not observed at significant frequency in large population cohorts (gnomAD); In silico analysis supports that this missense variant does not alter protein structure/function; Has not been previously published as pathogenic or benign to our knowledge

NM_015559.3(SETBP1):c.3415A>G (p.Ser1139Gly)

Gene: SETBP1 (SET binding protein 1; plus strand). Cytogenetic location: 18q12.3.
Variant type: single nucleotide variant.
Coding change: c.3415A>G on transcript NM_015559.3 (MANE Select); coding-DNA position 3415, A replaced by G.
Protein change: p.Ser1139Gly; replaces serine 1139 with glycine.
Molecular consequence: missense variant.
Genome position (GRCh38, 1-based): chr18:44,952,755, A>G. VCF-style: chr18-44952755-A-G. GRCh37 (hg19) VCF-style: chr18-42532720-A-G.
Other names: c.3415A>G, p.Ser1139Gly (NM_001379141.1, NM_001379142.1); short protein forms S1139G.
Identifiers: ClinVar variation 1695483 (VCV001695483.3), dbSNP rs2145112452, ClinGen allele CA402324377.